The following is an entry in ClinVar:

NM_001005242.2(PKP2):c.1379del

Gene: PKP2 (plakophilin 2; minus strand). Cytogenetic location: 12p11.21.
Variant type: Deletion.
Coding change: c.1379del on transcript NM_001005242.2; coding-DNA position 1379, one base deleted (G; older notation c.1379delG).
Genome position (GRCh38, 1-based): chr12:32,841,205, C deleted on the plus strand (G on the coding strand, the reverse complement: PKP2 is on the minus strand); the first of 2 consecutive C bases (chr12:32,841,205-32,841,206); deleting either gives the same sequence. VCF-style (leftmost placement, unchanged base first): chr12-32841204-AC-A. GRCh37 (hg19) VCF-style: chr12-32994138-AC-A.
Identifiers: ClinVar variation 4851409 (VCV004851409.1).
Genomic context (GRCh38, chr12:32,841,204, plus strand): 5'-CAATGCTTCTGTTATCATGAGATTCTTGAGTTTGTCATTAGATGACAAATTCCACAGCAA[AC>A]CTAGAAAAGCACAGAGTTACCATGAAAACAGTGCAGGGTGGGACCAAAATGACCGCTGAA-3'

ClinVar aggregate classification (germline): Likely pathogenic (1 of 4 stars; one submission).

Conditions:
Arrhythmogenic right ventricular dysplasia 9 (ARVD9). Also called: ARRHYTHMOGENIC RIGHT VENTRICULAR DYSPLASIA, FAMILIAL, 9; Arrhythmogenic Right Ventricular Dysplasia/Cardiomyopathy 9. Identifiers: MedGen C1836906, MONDO:0012180, OMIM 609040.

Submission:

Institute of Immunology and Genetics Kaiserslautern
Classification: Likely pathogenic for Arrhythmogenic right ventricular dysplasia 9. Last evaluated: 2022-12-19. Review status: criteria provided, single submitter. Criteria: ACMG Guidelines, 2015. Collection method: clinical testing. Allele origin: germline. Affected: yes.
Comment: ACMG Criteria: PM2, PVS1; Variant was found in heterozygous state.